The following is an entry in ClinVar:

NM_054012.4(ASS1):c.970+243C>T

Gene: ASS1 (argininosuccinate synthase 1; plus strand). Cytogenetic location: 9q34.11.
Variant type: single nucleotide variant.
Coding change: c.970+243C>T on transcript NM_054012.4 (MANE Select); 243 bases into the intron after coding-DNA position 970, C replaced by T.
Molecular consequence: intron variant.
Genome position (GRCh38, 1-based): chr9:130,489,707, C>T. VCF-style: chr9-130489707-C-T. GRCh37 (hg19) VCF-style: chr9-133365094-C-T.
Other names: c.970+243C>T (NM_000050.4).
Identifiers: ClinVar variation 671404 (VCV000671404.1), dbSNP rs12375699, ClinGen allele CA13059180.
Genomic context (GRCh38, chr9:130,489,707, plus strand): 5'-TGAGGGAGCAAGGGGATGCTAGAACCTGCCTTGCCATGGGGTGTGTCCAGGGAGATGCAC[C>T]GGCTTCCCAAGGTGTCCGGCAGCTTCCACCCCCTACAGTTTGCATGACTGCAGCAATGCC-3'

ClinVar aggregate classification (germline): Benign (1 of 4 stars; one submission).

Allele frequency attached by ClinVar (database versions not stated): 1000 Genomes Project 30x 0.27030; 1000 Genomes Project 0.27276; TOPMed 0.31084; gnomAD 0.31346 and 0.31894.
gnomAD v4.1: 48,562 of 152,060 alleles (32%); highest among the groups gnomAD compares: Middle Eastern, 48%; 9,445 homozygotes.

Submission:

GeneDx
Classification: Benign. Last evaluated: 2018-06-14. Review status: criteria provided, single submitter. Criteria: GeneDx Variant Classification (06012015). Collection method: clinical testing. Allele origin: germline. Affected: yes.
Comment: This variant is considered likely benign or benign based on one or more of the following criteria: it is a conservative change, it occurs at a poorly conserved position in the protein, it is predicted to be benign by multiple in silico algorithms, and/or has population frequency not consistent with disease.